The following is an entry in ClinVar:

ClinVar aggregate classification (germline): Conflicting classifications of pathogenicity. Review status: criteria provided, conflicting classifications (1 of 4 stars). 2 submissions from 2 submitters: Uncertain significance (1); Likely benign (1). Last evaluated 2025-11-13.

Conditions:
Pheochromocytoma/paraganglioma syndrome 5. Also called: Paragangliomas 5; SDHA-Related Hereditary Paraganglioma-Pheochromocytoma Syndrome. Identifiers: Orphanet 29072, MedGen C3279992, MONDO:0013602, OMIM 614165.
Mitochondrial complex II deficiency, nuclear type 1. Also called: SUCCINATE CoQ REDUCTASE DEFICIENCY. Identifiers: Orphanet 3208, MedGen C5700310, MONDO:0100294, OMIM 252011.
Hereditary cancer-predisposing syndrome. Also called: Tumor predisposition; Hereditary neoplastic syndrome; Neoplastic Syndromes, Hereditary; Hereditary Cancer Syndrome. Identifiers: Orphanet 140162, MedGen C0027672, MeSH D009386, MONDO:0015356.

Submissions (2):

Labcorp Genetics (formerly Invitae), Labcorp
Classification: Uncertain significance for Pheochromocytoma/paraganglioma syndrome 5; Mitochondrial complex II deficiency, nuclear type 1. Last evaluated: 2025-11-13. Review status: criteria provided, single submitter. Criteria: Invitae Variant Classification Sherloc (09022015). Collection method: clinical testing. Allele origin: germline.
Comment: This sequence change replaces leucine, which is neutral and non-polar, with valine, which is neutral and non-polar, at codon 7 of the SDHA protein (p.Leu7Val). This variant is not present in population databases (gnomAD no frequency). This variant has not been reported in the literature in individuals affected with SDHA-related conditions. ClinVar contains an entry for this variant (Variation ID: 837864). Invitae Evidence Modeling of protein sequence and biophysical properties (such as structural, functional, and spatial information, amino acid conservation, physicochemical variation, residue mobility, and thermodynamic stability) indicates that this missense variant is not expected to disrupt SDHA protein function with a negative predictive value of 95%. In summary, the available evidence is currently insufficient to determine the role of this variant in disease. Therefore, it has been classified as a Variant of Uncertain Significance.

Ambry Genetics
Classification: Likely benign for Hereditary cancer-predisposing syndrome. Last evaluated: 2024-04-16. Review status: criteria provided, single submitter. Criteria: Ambry Variant Classification Scheme 2023. Collection method: clinical testing. Allele origin: germline.

NM_004168.4(SDHA):c.19C>G (p.Leu7Val)

Gene: SDHA (succinate dehydrogenase complex flavoprotein subunit A; plus strand). Cytogenetic location: 5p15.33.
Variant type: single nucleotide variant.
Coding change: c.19C>G on transcript NM_004168.4 (MANE Select); coding-DNA position 19, C replaced by G.
Protein change: p.Leu7Val; replaces leucine 7 with valine.
Molecular consequence: missense variant.
Genome position (GRCh38, 1-based): chr5:218,374, C>G. VCF-style: chr5-218374-C-G. GRCh37 (hg19) VCF-style: chr5-218489-C-G.
Other names: c.19C>G, p.Leu7Val (NM_001294332.2, NM_001330758.2); c.19C>G (NM_004168.2); short protein forms L7V.
Identifiers: ClinVar variation 837864 (VCV000837864.11), dbSNP rs760964443, ClinGen allele CA359007289.
Genomic context (GRCh38, chr5:218,374, plus strand): 5'-CTGCGCAGGGACTGGCGGGACTGCGCGGCGGCAACAGCAGACATGTCGGGGGTCCGGGGC[C>G]TGTCGCGGCTGCTGAGCGCTCGGCGCCTGGCGCTGGCCAAGGCGGTGAGTCCGTGCCGCG-3'
Protein context (NP_004159.2, residues 1-17): MSGVRG[Leu7Val]SRLLSARRLA